The following is an entry in ClinVar:

ClinVar aggregate classification (germline): Benign/Likely benign. Review status: criteria provided, multiple submitters, no conflicts (2 of 4 stars). 3 submissions from 3 submitters: Benign (2); Likely benign (1). Last evaluated 2026-01-15.

Allele frequency attached by ClinVar (database versions not stated): 1000 Genomes Project 0.00160; 1000 Genomes Project 30x 0.00172; gnomAD 0.00463 and 0.00478; TOPMed 0.00475; ESP Exome Variant Server 0.00518; gnomAD exomes 0.00598; ExAC 0.00779.
gnomAD v4.1: 12,329 of 1,610,614 alleles (0.77%); highest among the groups gnomAD compares: Non-Finnish European, 0.96%; 63 homozygotes.

Submissions (3):

Labcorp Genetics (formerly Invitae), Labcorp
Classification: Benign. Last evaluated: 2026-01-15. Review status: criteria provided, single submitter. Criteria: Invitae Variant Classification Sherloc (09022015). Collection method: clinical testing. Allele origin: germline.

Mayo Clinic Laboratories, Mayo Clinic
Classification: Benign. Last evaluated: 2023-01-17. Review status: criteria provided, single submitter. Criteria: ACMG Guidelines, 2015. Collection method: clinical testing. Allele origin: germline. Observed: 4 variant alleles.
Comment: BS1, BS2, BP4

GeneDx
Classification: Likely benign. Last evaluated: 2021-05-05. Review status: criteria provided, single submitter. Criteria: GeneDx Variant Classification Process June 2021. Collection method: clinical testing. Allele origin: germline. Affected: yes.
Comment: This variant is associated with the following publications: (PMID: 31785789)

NM_001136191.3(KANK2):c.589C>T (p.Arg197Trp)

Gene: KANK2 (KN motif and ankyrin repeat domains 2; minus strand). Cytogenetic location: 19p13.2.
Variant type: single nucleotide variant.
Coding change: c.589C>T on transcript NM_001136191.3 (MANE Select); coding-DNA position 589, C replaced by T.
Protein change: p.Arg197Trp; replaces arginine 197 with tryptophan.
Molecular consequence: missense variant.
Genome position (GRCh38, 1-based): chr19:11,193,491, G>A on the plus strand (C>T on the coding strand, the complement: KANK2 is on the minus strand). VCF-style: chr19-11193491-G-A. GRCh37 (hg19) VCF-style: chr19-11304167-G-A.
Other names: p.Arg197Trp; c.589C>T, p.Arg197Trp (NM_001329451.2, NM_001379548.1, NM_001379549.1 and 15 more transcripts); short protein forms R197W.
Identifiers: ClinVar variation 710381 (VCV000710381.11), dbSNP rs138305694, ClinGen allele CA9206017.